The following is an entry in ClinVar:

NM_001136193.2(FASTKD2):c.2074A>G (p.Lys692Glu)

Gene: FASTKD2 (FAST kinase domains 2; plus strand). Cytogenetic location: 2q33.3.
Variant type: single nucleotide variant.
Coding change: c.2074A>G on transcript NM_001136193.2 (MANE Select); coding-DNA position 2074, A replaced by G.
Protein change: p.Lys692Glu; replaces lysine 692 with glutamic acid.
Molecular consequence: missense variant.
Genome position (GRCh38, 1-based): chr2:206,791,743, A>G. VCF-style: chr2-206791743-A-G. GRCh37 (hg19) VCF-style: chr2-207656467-A-G.
Other names: c.2074A>G, p.Lys692Glu (NM_001136194.2, NM_014929.4); short protein forms K692E.
Identifiers: ClinVar variation 333809 (VCV000333809.12), dbSNP rs771134176, ClinGen allele CA2075361.

ClinVar aggregate classification (germline): Conflicting classifications of pathogenicity. Review status: criteria provided, conflicting classifications (1 of 4 stars). 5 submissions from 5 submitters: Uncertain significance (3); Likely benign (1). 1 of the submissions does not count toward it. Last evaluated 2024-05-15.

Conditions:
FASTKD2-related disorder. Also called: FASTKD2-related condition.
Inborn genetic diseases. Identifiers: MedGen C0950123, MeSH D030342.
Combined oxidative phosphorylation deficiency 44. Also called: FASTKD2-Related Combined Oxidative Phosphorylation Deficiency. Identifiers: MedGen C5394293, MONDO:0030020, OMIM 618855.
Mitochondrial complex IV deficiency, nuclear type 1 (MC4DN1). Also called: COX DEFICIENCY; Mitochondrial complex IV deficiency; Complex 4 mitochondrial respiratory chain deficiency; Deficiency of mitochondrial respiratory chain complex4; Complex IV deficiency. Identifiers: MedGen C5435656, MONDO:0700250, OMIM 220110. Disease mechanism: loss of function.

Allele frequency attached by ClinVar (database versions not stated): gnomAD 0.00003; gnomAD exomes 0.00004 and 0.00018; TOPMed 0.00007; ExAC 0.00011.
gnomAD v4.1: 61 of 1,612,290 alleles (0.0038%); highest among the groups gnomAD compares: Admixed American, 0.092%; 1 homozygote.

Submissions (5):

Fulgent Genetics
Classification: Likely benign for Combined oxidative phosphorylation deficiency 44. Last evaluated: 2024-05-15. Review status: criteria provided, single submitter. Criteria: ACMG Guidelines, 2015. Collection method: clinical testing. Allele origin: germline.

Labcorp Genetics (formerly Invitae), Labcorp
Classification: Uncertain significance. Last evaluated: 2022-09-27. Review status: criteria provided, single submitter. Criteria: Invitae Variant Classification Sherloc (09022015). Collection method: clinical testing. Allele origin: germline.
Comment: ClinVar contains an entry for this variant (Variation ID: 333809). This variant has not been reported in the literature in individuals affected with FASTKD2-related conditions. This variant is present in population databases (rs771134176, gnomAD 0.1%). This sequence change replaces lysine, which is basic and polar, with glutamic acid, which is acidic and polar, at codon 692 of the FASTKD2 protein (p.Lys692Glu). Advanced modeling of protein sequence and biophysical properties (such as structural, functional, and spatial information, amino acid conservation, physicochemical variation, residue mobility, and thermodynamic stability) performed at Invitae indicates that this missense variant is not expected to disrupt FASTKD2 protein function. In summary, the available evidence is currently insufficient to determine the role of this variant in disease. Therefore, it has been classified as a Variant of Uncertain Significance.

Ambry Genetics
Classification: Uncertain significance for Inborn genetic diseases. Last evaluated: 2021-10-11. Review status: criteria provided, single submitter. Criteria: Ambry Variant Classification Scheme 2023. Collection method: clinical testing. Allele origin: germline.

Illumina Laboratory Services, Illumina
Classification: Uncertain significance for Mitochondrial complex IV deficiency, nuclear type 1. Last evaluated: 2018-01-13. Review status: criteria provided, single submitter. Criteria: ICSL Variant Classification Criteria 13 December 2019. Collection method: clinical testing. Allele origin: germline.

PreventionGenetics, part of Exact Sciences
Classification: Likely benign for FASTKD2-related condition. Last evaluated: 2023-08-22. Review status: no assertion criteria provided. Collection method: clinical testing. Allele origin: germline. Not counted in ClinVar's aggregate classification.
Comment: This variant is classified as likely benign based on ACMG/AMP sequence variant interpretation guidelines (Richards et al. 2015 PMID: 25741868, with internal and published modifications).